The following is an entry in ClinVar:

NM_020987.5(ANK3):c.5210C>T (p.Ala1737Val)

Gene: ANK3 (ankyrin 3; minus strand). Cytogenetic location: 10q21.2.
Variant type: single nucleotide variant.
Coding change: c.5210C>T on transcript NM_020987.5 (MANE Select); coding-DNA position 5210, C replaced by T.
Protein change: p.Ala1737Val; replaces alanine 1737 with valine.
Molecular consequence: missense variant. On other transcripts: intron variant (4).
Genome position (GRCh38, 1-based): chr10:60,075,671, G>A on the plus strand (C>T on the coding strand, the complement: ANK3 is on the minus strand). VCF-style: chr10-60075671-G-A. GRCh37 (hg19) VCF-style: chr10-61835429-G-A.
Other names: c.4387+4866C>T (NM_001204403.2); c.4408+4866C>T (NM_001204404.2); c.4405+4866C>T (NM_001320874.2); c.1807+4866C>T (NM_001149.4); short protein forms A1737V.
Identifiers: ClinVar variation 1431568 (VCV001431568.8), dbSNP rs766671422, ClinGen allele CA5512045.

ClinVar aggregate classification (germline): Uncertain significance (1 of 4 stars; one submission).

Allele frequency attached by ClinVar (database versions not stated): gnomAD 0.00002 and 0.00005; TOPMed 0.00003; gnomAD exomes 0.00004; ExAC 0.00006.
gnomAD v4.1: 73 of 1,614,116 alleles (0.0045%); highest among the groups gnomAD compares: Middle Eastern, 0.017%; 1 homozygote.

Submission:

Labcorp Genetics (formerly Invitae), Labcorp
Classification: Uncertain significance. Last evaluated: 2025-09-11. Review status: criteria provided, single submitter. Criteria: Invitae Variant Classification Sherloc (09022015). Collection method: clinical testing. Allele origin: germline.
Comment: This sequence change replaces alanine, which is neutral and non-polar, with valine, which is neutral and non-polar, at codon 1737 of the ANK3 protein (p.Ala1737Val). This variant is present in population databases (rs766671422, gnomAD 0.006%). This variant has not been reported in the literature in individuals affected with ANK3-related conditions. ClinVar contains an entry for this variant (Variation ID: 1431568). Invitae Evidence Modeling of protein sequence and biophysical properties (such as structural, functional, and spatial information, amino acid conservation, physicochemical variation, residue mobility, and thermodynamic stability) indicates that this missense variant is not expected to disrupt ANK3 protein function with a negative predictive value of 80%. In summary, the available evidence is currently insufficient to determine the role of this variant in disease. Therefore, it has been classified as a Variant of Uncertain Significance.